The following is an entry in ClinVar:

ClinVar aggregate classification (germline): Likely pathogenic (1 of 4 stars; one submission).

Conditions:
Jeune thoracic dystrophy. Also called: Jeune syndrome; Infantile thoracic dystrophy; Thoracic pelvic phalangeal dystrophy; Jeune's syndrome; Chondroectodermal dysplasia-like syndrome; Short-rib thoracic dysplasia. Identifiers: Orphanet 474, MedGen C0265275, MONDO:0018770.

Submission:

Labcorp Genetics (formerly Invitae), Labcorp
Classification: Likely pathogenic for Jeune thoracic dystrophy. Last evaluated: 2023-04-16. Review status: criteria provided, single submitter. Criteria: Invitae Variant Classification Sherloc (09022015). Collection method: clinical testing. Allele origin: germline.
Comment: In summary, the currently available evidence indicates that the variant is pathogenic, but additional data are needed to prove that conclusively. Therefore, this variant has been classified as Likely Pathogenic. This variant is not present in population databases (gnomAD no frequency). Algorithms developed to predict the effect of sequence changes on RNA splicing suggest that this variant may disrupt the consensus splice site. This variant has not been reported in the literature in individuals affected with DYNC2H1-related conditions. This sequence change affects an acceptor splice site in intron 67 of the DYNC2H1 gene. It is expected to disrupt RNA splicing. Variants that disrupt the donor or acceptor splice site typically lead to a loss of protein function (PMID: 16199547), and loss-of-function variants in DYNC2H1 are known to be pathogenic (PMID: 23339108, 32753734).

Literature cited by the submitters: PubMed 16199547; PubMed 23339108; PubMed 32753734.

NM_001377.3(DYNC2H1):c.10207-1G>C

Gene: DYNC2H1 (dynein cytoplasmic 2 heavy chain 1; plus strand). Cytogenetic location: 11q22.3.
Variant type: single nucleotide variant.
Coding change: c.10207-1G>C on transcript NM_001377.3 (MANE Select); the canonical splice acceptor site of the intron before coding-DNA position 10207, G replaced by C.
Molecular consequence: splice acceptor variant.
Genome position (GRCh38, 1-based): chr11:103,255,414, G>C. VCF-style: chr11-103255414-G-C. GRCh37 (hg19) VCF-style: chr11-103126143-G-C.
Other names: c.10228-1G>C (NM_001080463.2).
Identifiers: ClinVar variation 2856839 (VCV002856839.3), dbSNP rs865890773, ClinGen allele CA382249025.